The following is an entry in ClinVar:

NM_173493.3(PASD1):c.1664A>G (p.Gln555Arg)

Gene: PASD1 (PAS domain containing repressor 1; plus strand). Cytogenetic location: Xq28.
Variant type: single nucleotide variant.
Coding change: c.1664A>G on transcript NM_173493.3 (MANE Select); coding-DNA position 1664, A replaced by G.
Protein change: p.Gln555Arg; replaces glutamine 555 with arginine.
Molecular consequence: missense variant.
Genome position (GRCh38, 1-based): chrX:151,672,409, A>G. VCF-style: chrX-151672409-A-G. GRCh37 (hg19) VCF-style: chrX-150840881-A-G.
Other names: short protein forms Q555R.
Identifiers: ClinVar variation 4828718 (VCV004828718.1).

ClinVar aggregate classification (germline): Uncertain significance (1 of 4 stars; one submission).

gnomAD v4.1: 7 of 1,209,375 alleles (0.00058%); highest among the groups gnomAD compares: Admixed American, 0.0087%; no homozygotes.

Submission:

Ambry Genetics
Classification: Uncertain significance. Last evaluated: 2025-12-22. Review status: criteria provided, single submitter. Criteria: Ambry Variant Classification Scheme 2023. Collection method: clinical testing. Allele origin: germline.
Comment: The c.1664A>G (p.Q555R) alteration is located in exon 14 (coding exon 13) of the PASD1 gene. This alteration results from a A to G substitution at nucleotide position 1664, causing the glutamine (Q) at amino acid position 555 to be replaced by an arginine (R). Based on data from gnomAD, the G allele has an overall frequency of 0.001% (1/178460) total alleles studied. The highest observed frequency was 0.004% (1/27117) of Latino alleles. Based on insufficient or conflicting evidence, the clinical significance of this alteration remains unclear.